The following is an entry in ClinVar:

ClinVar aggregate classification (germline): Uncertain significance. Review status: criteria provided, multiple submitters, no conflicts (2 of 4 stars). 2 submissions from 2 submitters: Uncertain significance (2). Last evaluated 2025-03-10.

Conditions:
Inborn genetic diseases. Identifiers: MedGen C0950123, MeSH D030342.

Submissions (2):

Ambry Genetics
Classification: Uncertain significance for Inborn genetic diseases. Last evaluated: 2025-03-10. Review status: criteria provided, single submitter. Criteria: Ambry Variant Classification Scheme 2023. Collection method: clinical testing. Allele origin: germline.
Comment: The p.M752T variant (also known as c.2255T>C), located in coding exon 1 of the SAMD9L gene, results from a T to C substitution at nucleotide position 2255. The methionine at codon 752 is replaced by threonine, an amino acid with similar properties. This amino acid position is conserved. In addition, the in silico prediction for this alteration is inconclusive. Based on the available evidence, the clinical significance of this variant remains unclear.

Labcorp Genetics (formerly Invitae), Labcorp
Classification: Uncertain significance. Last evaluated: 2024-08-13. Review status: criteria provided, single submitter. Criteria: Invitae Variant Classification Sherloc (09022015). Collection method: clinical testing. Allele origin: germline.
Comment: This sequence change replaces methionine, which is neutral and non-polar, with threonine, which is neutral and polar, at codon 752 of the SAMD9L protein (p.Met752Thr). This variant is present in population databases (no rsID available, gnomAD 0.003%). This variant has not been reported in the literature in individuals affected with SAMD9L-related conditions. Invitae Evidence Modeling of protein sequence and biophysical properties (such as structural, functional, and spatial information, amino acid conservation, physicochemical variation, residue mobility, and thermodynamic stability) indicates that this missense variant is expected to disrupt SAMD9L protein function with a positive predictive value of 80%. In summary, the available evidence is currently insufficient to determine the role of this variant in disease. Therefore, it has been classified as a Variant of Uncertain Significance.

NM_152703.5(SAMD9L):c.2255T>C (p.Met752Thr)

Gene: SAMD9L (sterile alpha motif domain containing 9 like; minus strand). Cytogenetic location: 7q21.2.
Variant type: single nucleotide variant.
Coding change: c.2255T>C on transcript NM_152703.5 (MANE Select); coding-DNA position 2255, T replaced by C.
Protein change: p.Met752Thr; replaces methionine 752 with threonine.
Molecular consequence: missense variant.
Genome position (GRCh38, 1-based): chr7:93,133,717, A>G on the plus strand (T>C on the coding strand, the complement: SAMD9L is on the minus strand). VCF-style: chr7-93133717-A-G. GRCh37 (hg19) VCF-style: chr7-92763030-A-G.
Other names: c.2255T>C, p.Met752Thr (NM_001303496.3, NM_001303497.3, NM_001303498.3 and 5 more transcripts); c.2255T>C (NM_152703.2); short protein forms M752T.
Identifiers: ClinVar variation 3609913 (VCV003609913.3).